The following is an entry in ClinVar:

ClinVar aggregate classification (germline): Uncertain significance (1 of 4 stars; one submission).

Submission:

GeneDx
Classification: Uncertain significance. Last evaluated: 2022-11-17. Review status: criteria provided, single submitter. Criteria: GeneDx Variant Classification Process June 2021. Collection method: clinical testing. Allele origin: germline. Affected: yes.
Comment: Not observed at significant frequency in large population cohorts (gnomAD); In silico analysis supports that this missense variant does not alter protein structure/function; Has not been previously published as pathogenic or benign to our knowledge

NM_022455.5(NSD1):c.1554T>G (p.Phe518Leu)

Gene: NSD1 (nuclear receptor binding SET domain protein 1; plus strand). Cytogenetic location: 5q35.3.
Variant type: single nucleotide variant.
Coding change: c.1554T>G on transcript NM_022455.5 (MANE Select); coding-DNA position 1554, T replaced by G.
Protein change: p.Phe518Leu; replaces phenylalanine 518 with leucine.
Molecular consequence: missense variant.
Genome position (GRCh38, 1-based): chr5:177,209,953, T>G. VCF-style: chr5-177209953-T-G. GRCh37 (hg19) VCF-style: chr5-176636954-T-G.
Other names: c.681T>G, p.Phe227Leu (NM_001365684.2, NM_001409306.1, NM_001409307.1 and 3 more transcripts); c.1554T>G, p.Phe518Leu (NM_001409301.1, NM_001409302.1, NM_001409303.1); c.1134T>G, p.Phe378Leu (NM_001409304.1); c.801T>G, p.Phe267Leu (NM_001409305.1); short protein forms F227L, F267L, F378L, F518L.
Identifiers: ClinVar variation 2502542 (VCV002502542.1), dbSNP rs2480445200, ClinGen allele CA362310259.